The following is an entry in ClinVar:

NM_024757.5(EHMT1):c.2393A>C (p.Asn798Thr)

Gene: EHMT1 (euchromatic histone lysine methyltransferase 1; plus strand). Cytogenetic location: 9q34.3.
Variant type: single nucleotide variant.
Coding change: c.2393A>C on transcript NM_024757.5 (MANE Select); coding-DNA position 2393, A replaced by C.
Protein change: p.Asn798Thr; replaces asparagine 798 with threonine.
Molecular consequence: missense variant.
Genome position (GRCh38, 1-based): chr9:137,790,858, A>C. VCF-style: chr9-137790858-A-C. GRCh37 (hg19) VCF-style: chr9-140685310-A-C.
Other names: c.2300A>C, p.Asn767Thr (NM_001354259.2); c.2372A>C, p.Asn791Thr (NM_001354263.2); short protein forms N767T, N798T, N791T.
Identifiers: ClinVar variation 3664172 (VCV003664172.2).

ClinVar aggregate classification (germline): Uncertain significance (1 of 4 stars; one submission).

Conditions:
Kleefstra syndrome 1 (KLEFS1). Identifiers: Orphanet 261494, MedGen C0795833, MONDO:0027407, OMIM 610253.

Submission:

Labcorp Genetics (formerly Invitae), Labcorp
Classification: Uncertain significance for Kleefstra syndrome 1. Last evaluated: 2024-09-02. Review status: criteria provided, single submitter. Criteria: Invitae Variant Classification Sherloc (09022015). Collection method: clinical testing. Allele origin: germline.
Comment: This sequence change replaces asparagine, which is neutral and polar, with threonine, which is neutral and polar, at codon 798 of the EHMT1 protein (p.Asn798Thr). This variant is not present in population databases (gnomAD no frequency). This variant has not been reported in the literature in individuals affected with EHMT1-related conditions. Invitae Evidence Modeling of protein sequence and biophysical properties (such as structural, functional, and spatial information, amino acid conservation, physicochemical variation, residue mobility, and thermodynamic stability) indicates that this missense variant is not expected to disrupt EHMT1 protein function with a negative predictive value of 80%. In summary, the available evidence is currently insufficient to determine the role of this variant in disease. Therefore, it has been classified as a Variant of Uncertain Significance.